The following is an entry in ClinVar:

NM_000059.4(BRCA2):c.3412C>T (p.Gln1138Ter)

Gene: BRCA2 (BRCA2 DNA repair associated; plus strand). Cytogenetic location: 13q13.1.
Variant type: single nucleotide variant.
Coding change: c.3412C>T on transcript NM_000059.4 (MANE Select); coding-DNA position 3412, C replaced by T.
Protein change: p.Gln1138Ter; replaces glutamine 1138 with a stop codon.
Molecular consequence: nonsense.
Genome position (GRCh38, 1-based): chr13:32,337,767, C>T. VCF-style: chr13-32337767-C-T. GRCh37 (hg19) VCF-style: chr13-32911904-C-T.
Other names: short protein forms Q1138*.
Identifiers: ClinVar variation 142648 (VCV000142648.9), dbSNP rs587782613, ClinGen allele CA017964.
Genomic context (GRCh38, chr13:32,337,767, plus strand): 5'-TTAGAAGAATCAGGAAGTCAGTTTGAATTTACTCAGTTTAGAAAACCAAGCTACATATTG[C>T]AGAAGAGTACATTTGAAGTGCCTGAAAACCAGATGACTATCTTAAAGACCACTTCTGAGG-3'

ClinVar aggregate classification (germline): Pathogenic. Review status: reviewed by expert panel (3 of 4 stars). 3 submissions from 3 submitters: Pathogenic (1). 2 of the submissions do not count toward it. Last evaluated 2016-09-08.

Conditions:
Hereditary cancer-predisposing syndrome. Also called: Neoplastic Syndromes, Hereditary; Hereditary Cancer Syndrome; Hereditary neoplastic syndrome; Tumor predisposition. Identifiers: Orphanet 140162, MedGen C0027672, MeSH D009386, MONDO:0015356.
Breast-ovarian cancer, familial, susceptibility to, 2 (BROVCA2). Also called: BRCA2 Hereditary Breast and Ovarian Cancer. Identifiers: Orphanet 145, MedGen C2675520, MONDO:0012933, OMIM 612555. Disease mechanism: loss of function.

Submissions (3):

Evidence-based Network for the Interpretation of Germline Mutant Alleles (ENIGMA)
Classification: Pathogenic for Breast-ovarian cancer, familial, susceptibility to, 2. Last evaluated: 2016-09-08. Review status: reviewed by expert panel. Criteria: ENIGMA BRCA1/2 Classification Criteria (2015). Collection method: curation. Allele origin: germline.
Comment: Variant allele predicted to encode a truncated non-functional protein.

Ambry Genetics
Classification: Pathogenic for Hereditary cancer-predisposing syndrome. Last evaluated: 2022-09-21. Review status: criteria provided, single submitter. Criteria: Ambry Variant Classification Scheme 2023. Collection method: clinical testing. Allele origin: germline. Not counted in ClinVar's aggregate classification.
Comment: The p.Q1138* pathogenic mutation (also known as c.3412C>T), located in coding exon 10 of the BRCA2 gene, results from a C to T substitution at nucleotide position 3412. This changes the amino acid from a glutamine to a stop codon within coding exon 10. This variant is considered to be rare based on population cohorts in the Genome Aggregation Database (gnomAD). This alteration is expected to result in loss of function by premature protein truncation or nonsense-mediated mRNA decay. As such, this alteration is interpreted as a disease-causing mutation.

Consortium of Investigators of Modifiers of BRCA1/2 (CIMBA), c/o University of Cambridge
Classification: Pathogenic for Breast-ovarian cancer, familial, susceptibility to, 2. Last evaluated: 2015-10-02. Review status: criteria provided, single submitter. Criteria: CIMBA Mutation Classification guidelines May 2016. Collection method: clinical testing. Allele origin: germline. Not counted in ClinVar's aggregate classification.